The following is an entry in ClinVar:

NM_001042492.3(NF1):c.2658C>G (p.Asn886Lys)

Gene: NF1 (neurofibromin 1; plus strand). Cytogenetic location: 17q11.2.
Variant type: single nucleotide variant.
Coding change: c.2658C>G on transcript NM_001042492.3 (MANE Select); coding-DNA position 2658, C replaced by G.
Protein change: p.Asn886Lys; replaces asparagine 886 with lysine.
Molecular consequence: missense variant.
Genome position (GRCh38, 1-based): chr17:31,229,273, C>G. VCF-style: chr17-31229273-C-G. GRCh37 (hg19) VCF-style: chr17-29556291-C-G.
Other names: c.2658C>G, p.Asn886Lys (NM_000267.4); short protein forms N886K.
Identifiers: ClinVar variation 233252 (VCV000233252.11), dbSNP rs781549970, ClinGen allele CA10580260.

ClinVar aggregate classification (germline): Uncertain significance. Review status: criteria provided, multiple submitters, no conflicts (2 of 4 stars). 4 submissions from 3 submitters: Uncertain significance (4). Last evaluated 2022-03-15.

Conditions:
Cardiovascular phenotype. Identifiers: MedGen CN230736.
Hereditary cancer-predisposing syndrome. Also called: Tumor predisposition; Hereditary Cancer Syndrome; Hereditary neoplastic syndrome; Neoplastic Syndromes, Hereditary. Identifiers: Orphanet 140162, MedGen C0027672, MeSH D009386, MONDO:0015356.
Neurofibromatosis, type 1 (NF1). Also called: VON RECKLINGHAUSEN DISEASE; NEUROFIBROMATOSIS, TYPE I, SOMATIC; Peripheral type neurofibromatosis; Neurofibromatosis, type I. Identifiers: Orphanet 636, MedGen C0027831, MONDO:0018975, OMIM 162200. Disease mechanism: loss of function.

Submissions (4):

Genome-Nilou Lab
Classification: Uncertain significance for Neurofibromatosis, type 1. Last evaluated: 2022-03-15. Review status: criteria provided, single submitter. Criteria: ACMG Guidelines, 2015. Collection method: clinical testing. Allele origin: germline. Affected: no.

Ambry Genetics
Classification: Uncertain significance for Cardiovascular phenotype; Hereditary cancer-predisposing syndrome. Last evaluated: 2021-12-29. Review status: criteria provided, single submitter. Criteria: Ambry Variant Classification Scheme 2023. Collection method: clinical testing. Allele origin: germline.

Labcorp Genetics (formerly Invitae), Labcorp
Classification: Uncertain significance for Neurofibromatosis, type 1. Last evaluated: 2020-05-20. Review status: criteria provided, single submitter. Criteria: Invitae Variant Classification Sherloc (09022015). Collection method: clinical testing. Allele origin: germline.
Comment: This sequence change replaces asparagine with lysine at codon 886 of the NF1 protein (p.Asn886Lys). The asparagine residue is moderately conserved and there is a moderate physicochemical difference between asparagine and lysine. This variant is not present in population databases (ExAC no frequency). This variant has not been reported in the literature in individuals with NF1-related conditions. ClinVar contains an entry for this variant (Variation ID: 233252). Algorithms developed to predict the effect of missense changes on protein structure and function are either unavailable or do not agree on the potential impact of this missense change (SIFT: "Deleterious"; PolyPhen-2: "Benign"; Align-GVGD: "Class C0"). In summary, the available evidence is currently insufficient to determine the role of this variant in disease. Therefore, it has been classified as a Variant of Uncertain Significance.

Ambry Genetics
Classification: Uncertain significance for Hereditary cancer-predisposing syndrome. Last evaluated: 2015-07-29. Review status: criteria provided, single submitter. Criteria: Ambry Autosomal Dominant and X-Linked criteria (10/2015). Collection method: clinical testing. Allele origin: germline. Observed: 1 variant allele.
Comment: The p.N886K variant (also known as c.2658C>G), located in coding exon 21 of the NF1 gene, results from a C to G substitution at nucleotide position 2658. The asparagine at codon 886 is replaced by lysine, an amino acid with similar properties. This variant was not reported in population based cohorts in the following databases: Database of Single Nucleotide Polymorphisms (dbSNP), NHLBI Exome Sequencing Project (ESP), and 1000 Genomes Project. In the ESP, this variant was not observed in 6503 samples (13006 alleles) with coverage at this position. To date, this alteration has been detected with an allele frequency of approximately 0.002% (greater than55000alleles tested) in our clinical cohort.This amino acid position is highly conserved through reptiles, but it is not conserved in lower species. In addition, this alteration is predicted to be tolerated by in silico analysis.Since supporting evidence is limited at this time, the clinical significance of p.N886K remains unclear.